The following is an entry in ClinVar:

NM_000038.6(APC):c.5761G>T (p.Gly1921Cys)

Gene: APC (APC regulator of Wnt signaling pathway; plus strand). Cytogenetic location: 5q22.2.
Variant type: single nucleotide variant.
Coding change: c.5761G>T on transcript NM_000038.6 (MANE Select); coding-DNA position 5761, G replaced by T.
Protein change: p.Gly1921Cys; replaces glycine 1921 with cysteine.
Molecular consequence: missense variant.
Genome position (GRCh38, 1-based): chr5:112,841,355, G>T. VCF-style: chr5-112841355-G-T. GRCh37 (hg19) VCF-style: chr5-112177052-G-T.
Other names: NM_000038.4:c.5761G>T; p.Gly1921Cys; c.5761G>T, p.Gly1921Cys (NM_001127510.3, NM_001354895.2); c.5707G>T, p.Gly1903Cys (NM_001127511.3); c.5815G>T, p.Gly1939Cys (NM_001354896.2); c.5791G>T, p.Gly1931Cys (NM_001354897.2); c.5686G>T, p.Gly1896Cys (NM_001354898.2); c.5677G>T, p.Gly1893Cys (NM_001354899.2); and 7 more; short protein forms G1921C, G1903C, G1761C, G1896C, G1638C, G1795C, G1931C, G1820C.
Identifiers: ClinVar variation 628990 (VCV000628990.20), dbSNP rs1060503324, ClinGen allele CA16033938.
Genomic context (GRCh38, chr5:112,841,355, plus strand): 5'-ACCTCCAACCAACAATCAGCTAATAAGACACAAGCTATTGCAAAGCAGCCAATAAATCGA[G>T]GTCAGCCTAAACCCATACTTCAGAAACAATCCACTTTTCCCCAGTCATCCAAAGACATAC-3'
Protein context (NP_000029.2, residues 1911-1931): QAIAKQPINR[Gly1921Cys]QPKPILQKQS

ClinVar aggregate classification (germline): Uncertain significance. Review status: criteria provided, multiple submitters, no conflicts (2 of 4 stars). 5 submissions from 5 submitters: Uncertain significance (5). Last evaluated 2023-12-15.

Conditions:
Hereditary cancer-predisposing syndrome. Also called: Neoplastic Syndromes, Hereditary; Tumor predisposition; Hereditary neoplastic syndrome; Hereditary Cancer Syndrome. Identifiers: Orphanet 140162, MedGen C0027672, MeSH D009386, MONDO:0015356.
Familial adenomatous polyposis 1 (FAP1). Also called: POLYPOSIS, ADENOMATOUS INTESTINAL; FAMILIAL ADENOMATOUS POLYPOSIS 1, ATTENUATED. Identifiers: MedGen C2713442, MONDO:0021056, OMIM 175100. Disease mechanism: loss of function.

Submissions (5):

Ambry Genetics
Classification: Uncertain significance for Hereditary cancer-predisposing syndrome. Last evaluated: 2023-12-15. Review status: criteria provided, single submitter. Criteria: Ambry Variant Classification Scheme 2023. Collection method: clinical testing. Allele origin: germline.
Comment: The p.G1921C variant (also known as c.5761G>T), located in coding exon 15 of the APC gene, results from a G to T substitution at nucleotide position 5761. The glycine at codon 1921 is replaced by cysteine, an amino acid with highly dissimilar properties. This amino acid position is not well conserved in available vertebrate species. In addition, in silico predictors for this gene do not accurately predict pathogenicity. Since supporting evidence is limited at this time, the clinical significance of this alteration remains unclear.

Labcorp Genetics (formerly Invitae), Labcorp
Classification: Uncertain significance for Familial adenomatous polyposis 1. Last evaluated: 2023-06-19. Review status: criteria provided, single submitter. Criteria: Invitae Variant Classification Sherloc (09022015). Collection method: clinical testing. Allele origin: germline.
Comment: In summary, the available evidence is currently insufficient to determine the role of this variant in disease. Therefore, it has been classified as a Variant of Uncertain Significance. Advanced modeling of protein sequence and biophysical properties (such as structural, functional, and spatial information, amino acid conservation, physicochemical variation, residue mobility, and thermodynamic stability) performed at Invitae indicates that this missense variant is not expected to disrupt APC protein function. ClinVar contains an entry for this variant (Variation ID: 628990). This variant has not been reported in the literature in individuals affected with APC-related conditions. This variant is not present in population databases (gnomAD no frequency). This sequence change replaces glycine, which is neutral and non-polar, with cysteine, which is neutral and slightly polar, at codon 1921 of the APC protein (p.Gly1921Cys).

GeneDx
Classification: Uncertain significance. Last evaluated: 2019-04-15. Review status: criteria provided, single submitter. Criteria: GeneDx Variant Classification Process June 2021. Collection method: clinical testing. Allele origin: germline. Affected: yes.
Comment: Not observed [at a significant frequency] in large population cohorts (Lek et al., 2016); Has not been previously published as pathogenic or benign to our knowledge

Color Diagnostics, LLC DBA Color Health
Classification: Uncertain significance for Hereditary cancer-predisposing syndrome. Last evaluated: 2019-02-09. Review status: criteria provided, single submitter. Criteria: ACMG Guidelines, 2015. Collection method: clinical testing. Allele origin: germline.

Laboratory for Molecular Medicine, Mass General Brigham Personalized Medicine
Classification: Uncertain significance. Last evaluated: 2018-08-10. Review status: criteria provided, single submitter. Criteria: LMM Criteria. Collection method: clinical testing. Allele origin: germline. Observed: 1 variant allele.
Comment: The p.Gly1921Cys variant in APC has not been previously reported in individuals with adenomatous polyposis and was absent from large population studies. Computa tional prediction tools and conservation analysis do not provide strong support for or against an impact to the protein. In summary the clinical significance of the p.Gly1921Cys variant is uncertain. ACMG/AMP Criteria applied: PM2.

Literature cited by the submitters: PubMed 18199528 (cited by Laboratory for Molecular Medicine, Mass General Brigham Personalized Medicine); PubMed 21859464 (cited by Laboratory for Molecular Medicine, Mass General Brigham Personalized Medicine).